The following is an entry in ClinVar:

NM_015192.4(PLCB1):c.1923A>G (p.Glu641=)

Gene: PLCB1 (phospholipase C beta 1; plus strand). Cytogenetic location: 20p12.3.
Variant type: single nucleotide variant.
Coding change: c.1923A>G on transcript NM_015192.4 (MANE Select); coding-DNA position 1923, A replaced by G.
Protein change: p.Glu641=; no amino-acid change (glutamic acid 641 retained).
Molecular consequence: synonymous variant.
Genome position (GRCh38, 1-based): chr20:8,733,272, A>G. VCF-style: chr20-8733272-A-G. GRCh37 (hg19) VCF-style: chr20-8713919-A-G.
Other names: c.1923A>G, p.Glu641= (NM_182734.3).
Identifiers: ClinVar variation 3067756 (VCV003067756.21), dbSNP rs751738226, ClinGen allele CA9760112.

ClinVar aggregate classification (germline): Uncertain significance (1 of 4 stars; one submission).

Allele frequency attached by ClinVar (database versions not stated): gnomAD exomes 0.00001; ExAC 0.00002.
gnomAD v4.1: 3 of 1,614,038 alleles (0.00019%); highest among the groups gnomAD compares: East Asian, 0.0067%; no homozygotes.

Submission:

CeGaT Center for Human Genetics Tuebingen
Classification: Uncertain significance. Last evaluated: 2024-03-01. Review status: criteria provided, single submitter. Criteria: CeGaT Center For Human Genetics Tuebingen Variant Classification Criteria Version 2. Collection method: clinical testing. Allele origin: germline. Affected: yes. Observed: 1 variant allele.
Comment: PLCB1: PM2:Supporting, BP4